The following is an entry in ClinVar:

ClinVar aggregate classification (germline): Pathogenic (1 of 4 stars; one submission).

Conditions:
Cystic fibrosis (CF). Also called: MUCOVISCIDOSIS. Identifiers: Orphanet 586, MedGen C0010674, MONDO:0009061, OMIM 219700. Disease mechanism: loss of function.

Submission:

Women's Health and Genetics/Laboratory Corporation of America, LabCorp
Classification: Pathogenic for Cystic fibrosis. Last evaluated: 2025-04-07. Review status: criteria provided, single submitter. Criteria: LabCorp Variant Classification Summary - May 2015. Collection method: clinical testing. Allele origin: germline.
Comment: Variant summary: CFTR c.2061delT (p.Phe687LeufsX35) results in a premature termination codon, predicted to cause a truncation of the encoded protein or absence of the protein due to nonsense mediated decay, which are commonly known mechanisms for disease. The variant allele was found at a frequency of 4e-06 in 248868 control chromosomes. c.2061delT has been reported in the literature (Beauchamp_2019). To our knowledge, no experimental evidence demonstrating an impact on protein function has been reported. The following publication has been ascertained in the context of this evaluation (PMID: 31036917). No submitters have cited clinical-significance assessments for this variant to ClinVar. Based on the evidence outlined above, the variant was classified as pathogenic.

Literature cited by the submitters: PubMed 31036917.

NM_000492.4(CFTR):c.2061del (p.Phe687fs)

Gene: CFTR (CF transmembrane conductance regulator; plus strand). Cytogenetic location: 7q31.2.
Variant type: Deletion.
Coding change: c.2061del on transcript NM_000492.4 (MANE Select); coding-DNA position 2061, one base deleted (T; older notation c.2061delT).
Protein change: p.Phe687fs; shifts the reading frame from phenylalanine 687.
Molecular consequence: frameshift variant.
Genome position (GRCh38, 1-based): chr7:117,592,228, T deleted; the last of 4 consecutive T bases (chr7:117,592,225-117,592,228); deleting any one gives the same sequence. VCF-style (leftmost placement, unchanged base first): chr7-117592224-CT-C. GRCh37 (hg19) VCF-style: chr7-117232278-CT-C.
Other names: c.2061delT (NM_000492.4); short protein forms F687fs.
Identifiers: ClinVar variation 3896456 (VCV003896456.2).